The following is an entry in ClinVar:

ClinVar aggregate classification (germline): Uncertain significance (1 of 4 stars; one submission).

Conditions:
Atrial fibrillation, familial, 18 (ATFB18). Identifiers: MedGen C4310636, MONDO:0015001, OMIM 617280.

Allele frequency attached by ClinVar (database versions not stated): gnomAD exomes below 0.00001; ExAC 0.00001; gnomAD 0.00001.
gnomAD v4.1: 5 of 1,614,032 alleles (0.00031%); highest among the groups gnomAD compares: Non-Finnish European, 0.00034%; no homozygotes.

Submission:

Labcorp Genetics (formerly Invitae), Labcorp
Classification: Uncertain significance for Atrial fibrillation, familial, 18. Last evaluated: 2023-01-17. Review status: criteria provided, single submitter. Criteria: Invitae Variant Classification Sherloc (09022015). Collection method: clinical testing. Allele origin: germline.
Comment: In summary, the available evidence is currently insufficient to determine the role of this variant in disease. Therefore, it has been classified as a Variant of Uncertain Significance. Algorithms developed to predict the effect of missense changes on protein structure and function are either unavailable or do not agree on the potential impact of this missense change (SIFT: "Deleterious"; PolyPhen-2: "Benign"; Align-GVGD: "Class C0"). ClinVar contains an entry for this variant (Variation ID: 1347898). This variant has not been reported in the literature in individuals affected with MYL4-related conditions. This variant is present in population databases (rs752796010, gnomAD 0.0009%). This sequence change replaces serine, which is neutral and polar, with asparagine, which is neutral and polar, at codon 146 of the MYL4 protein (p.Ser146Asn).

NM_002476.2(MYL4):c.437G>A (p.Ser146Asn)

Gene: MYL4 (myosin light chain 4; plus strand). Cytogenetic location: 17q21.32.
Variant type: single nucleotide variant.
Coding change: c.437G>A on transcript NM_002476.2 (MANE Select); coding-DNA position 437, G replaced by A.
Protein change: p.Ser146Asn; replaces serine 146 with asparagine.
Molecular consequence: missense variant.
Genome position (GRCh38, 1-based): chr17:47,221,805, G>A. VCF-style: chr17-47221805-G-A. GRCh37 (hg19) VCF-style: chr17-45299171-G-A.
Other names: c.437G>A, p.Ser146Asn (NM_001002841.2); short protein forms S146N.
Identifiers: ClinVar variation 1347898 (VCV001347898.6), dbSNP rs752796010, ClinGen allele CA8622742.